The following is an entry in ClinVar:

NM_021922.3(FANCE):c.248+7C>A

Genes: FANCE (FA complementation group E; plus strand), LOC129996245 (ATAC-STARR-seq lymphoblastoid silent region 17092; plus strand). Cytogenetic location: 6p21.31.
Variant type: single nucleotide variant.
Coding change: c.248+7C>A on transcript NM_021922.3 (MANE Select); 7 bases into the intron after coding-DNA position 248, C replaced by A.
Molecular consequence: intron variant.
Genome position (GRCh38, 1-based): chr6:35,452,800, C>A. VCF-style: chr6-35452800-C-A. GRCh37 (hg19) VCF-style: chr6-35420577-C-A.
Identifiers: ClinVar variation 356443 (VCV000356443.22), dbSNP rs186563531, ClinGen allele CA3771354.

ClinVar aggregate classification (germline): Benign/Likely benign. Review status: criteria provided, multiple submitters, no conflicts (2 of 4 stars). 8 submissions from 8 submitters: Benign (3); Likely benign (5). Last evaluated 2026-02-02.

Conditions:
Fanconi anemia complementation group E (FANCE). Also called: FANCE-Related Fanconi Anemia. Identifiers: Orphanet 84, MedGen C3160739, MONDO:0010953, OMIM 600901.
Fanconi anemia (FA). Also called: Fanconi's anemia. Identifiers: Orphanet 84, MedGen C0015625, MeSH D005199, MONDO:0019391.

Allele frequency attached by ClinVar (database versions not stated): gnomAD exomes 0.00091; ExAC 0.00207; gnomAD 0.00255; 1000 Genomes Project 30x 0.00281; 1000 Genomes Project 0.00300; TOPMed 0.00335.

Submissions (8):

Labcorp Genetics (formerly Invitae), Labcorp
Classification: Benign for Fanconi anemia complementation group E. Last evaluated: 2026-02-02. Review status: criteria provided, single submitter. Criteria: Invitae Variant Classification Sherloc (09022015). Collection method: clinical testing. Allele origin: germline.

Blueprint Genetics
Classification: Likely benign. Last evaluated: 2024-11-11. Review status: criteria provided, single submitter. Criteria: ACMG Guidelines, 2015. Collection method: clinical testing. Allele origin: germline.

KCCC/NGS Laboratory, Kuwait Cancer Control Center
Classification: Benign for Fanconi anemia complementation group E. Last evaluated: 2023-07-07. Review status: criteria provided, single submitter. Criteria: ACMG Guidelines, 2015. Collection method: clinical testing. Allele origin: germline. Affected: yes.

Genetic Services Laboratory, University of Chicago
Classification: Likely benign. Last evaluated: 2021-11-19. Review status: criteria provided, single submitter. Criteria: ACMG Guidelines, 2015. Collection method: clinical testing. Allele origin: germline. Affected: no.

Fulgent Genetics
Classification: Likely benign for Fanconi anemia complementation group E. Last evaluated: 2021-08-20. Review status: criteria provided, single submitter. Criteria: ACMG Guidelines, 2015. Collection method: clinical testing. Allele origin: unknown.

Sema4
Classification: Likely benign for Fanconi anemia. Last evaluated: 2021-04-26. Review status: criteria provided, single submitter. Criteria: Sema4 Curation Guidelines. Collection method: curation. Allele origin: germline.

Illumina Laboratory Services, Illumina
Classification: Benign for Fanconi anemia complementation group E. Last evaluated: 2018-01-12. Review status: criteria provided, single submitter. Criteria: ICSL Variant Classification Criteria 13 December 2019. Collection method: clinical testing. Allele origin: germline.
Comment: This variant was observed in the ICSL laboratory as part of a predisposition screen in an ostensibly healthy population. It had not been previously curated by ICSL or reported in the Human Gene Mutation Database (HGMD: prior to June 1st, 2018), and was therefore a candidate for classification through an automated scoring system. Utilizing variant allele frequency, disease prevalence and penetrance estimates, and inheritance mode, an automated score was calculated to assess if this variant is too frequent to cause the disease. Based on the score and internal cut-off values, a variant classified as benign is not then subjected to further curation. The score for this variant resulted in a classification of benign for this disease.

Breakthrough Genomics
Classification: Likely benign. Review status: criteria provided, single submitter. Criteria: ACMG Guidelines, 2015. Collection method: not provided. Allele origin: germline. Inheritance: Autosomal recessive inheritance. Affected: yes.